The following is an entry in ClinVar:

ClinVar aggregate classification (germline): Uncertain significance (1 of 4 stars; one submission).

Conditions:
Inborn genetic diseases. Identifiers: MedGen C0950123, MeSH D030342.

Submission:

Ambry Genetics
Classification: Uncertain significance for Inborn genetic diseases. Last evaluated: 2026-02-21. Review status: criteria provided, single submitter. Criteria: Ambry Variant Classification Scheme 2023. Collection method: clinical testing. Allele origin: germline.
Comment: The p.M1466I variant (also known as c.4398G>C), located in coding exon 1 of the SAMD9L gene, results from a G to C substitution at nucleotide position 4398. The methionine at codon 1466 is replaced by isoleucine, an amino acid with highly similar properties. This amino acid position is conserved. In addition, this alteration is predicted to be tolerated by in silico analysis. Based on the available evidence, the clinical significance of this variant remains unclear.

NM_152703.5(SAMD9L):c.4398G>C (p.Met1466Ile)

Gene: SAMD9L (sterile alpha motif domain containing 9 like; minus strand). Cytogenetic location: 7q21.2.
Variant type: single nucleotide variant.
Coding change: c.4398G>C on transcript NM_152703.5 (MANE Select); coding-DNA position 4398, G replaced by C.
Protein change: p.Met1466Ile; replaces methionine 1466 with isoleucine.
Molecular consequence: missense variant.
Genome position (GRCh38, 1-based): chr7:93,131,574, C>G on the plus strand (G>C on the coding strand, the complement: SAMD9L is on the minus strand). VCF-style: chr7-93131574-C-G. GRCh37 (hg19) VCF-style: chr7-92760887-C-G.
Other names: c.4398G>C, p.Met1466Ile (NM_001350085.2, NM_001303496.3, NM_001303497.3 and 5 more transcripts); short protein forms M1466I.
Identifiers: ClinVar variation 4844840 (VCV004844840.1).